The following is an entry in ClinVar:

NM_001148.6(ANK2):c.9433G>C (p.Glu3145Gln)

Gene: ANK2 (ankyrin 2; plus strand). Cytogenetic location: 4q26.
Variant type: single nucleotide variant.
Coding change: c.9433G>C on transcript NM_001148.6 (MANE Select); coding-DNA position 9433, G replaced by C.
Protein change: p.Glu3145Gln; replaces glutamic acid 3145 with glutamine.
Molecular consequence: missense variant. On other transcripts: intron variant (68).
Genome position (GRCh38, 1-based): chr4:113,358,051, G>C. VCF-style: chr4-113358051-G-C. GRCh37 (hg19) VCF-style: chr4-114279207-G-C.
Other names: c.9199G>C, p.Glu3067Gln (NM_001386142.1); c.5833G>C, p.Glu1945Gln (NM_001386166.1); c.9574G>C, p.Glu3192Gln (NM_001386174.1); c.9550G>C, p.Glu3184Gln (NM_001386175.1); c.4412-2772G>C (NM_001386186.2, NM_001386148.2); c.4214-2772G>C (NM_001354269.3); c.4292-2772G>C (NM_001386187.2); c.4253-2772G>C (NM_001386147.1); and 35 more; short protein forms E1945Q, E3067Q, E3145Q, E3184Q, E3192Q.
Identifiers: ClinVar variation 3540245 (VCV003540245.1).
Genomic context (GRCh38, chr4:113,358,051, plus strand): 5'-GCAGATGAAAGTTTTCACTTTTTCCAAATTGGTCAAGAATCCAGGGAAGAGACTCTCTCT[G>C]AAGATGTGAAAGAAGGGGCTACTGGGGCTGATCCCCTACCGCTGGAGACATCAGCTGAAT-3'
Protein context (NP_001139.3, residues 3135-3155): GQESREETLS[Glu3145Gln]DVKEGATGAD

ClinVar aggregate classification (germline): Uncertain significance (1 of 4 stars; one submission).

Conditions:
Cardiovascular phenotype. Identifiers: MedGen CN230736.

Submission:

Ambry Genetics
Classification: Uncertain significance for Cardiovascular phenotype. Last evaluated: 2024-10-27. Review status: criteria provided, single submitter. Criteria: Ambry Variant Classification Scheme 2023. Collection method: clinical testing. Allele origin: germline.
Comment: The p.E3145Q variant (also known as c.9433G>C), located in coding exon 38 of the ANK2 gene, results from a G to C substitution at nucleotide position 9433. The glutamic acid at codon 3145 is replaced by glutamine, an amino acid with highly similar properties. This amino acid position is conserved. In addition, the in silico prediction for this alteration is inconclusive. Based on the available evidence, the clinical significance of this variant remains unclear.